The following is an entry in ClinVar:

ClinVar aggregate classification (germline): Likely benign. Review status: criteria provided, multiple submitters, no conflicts (2 of 4 stars). 3 submissions from 3 submitters: Likely benign (3). Last evaluated 2024-02-01.

Allele frequency attached by ClinVar (database versions not stated): gnomAD exomes 0.00410 and 0.00275; 1000 Genomes Project 0.00120; 1000 Genomes Project 30x 0.00141; gnomAD 0.00251 and 0.00282; ExAC 0.00299; TOPMed 0.00309; ESP Exome Variant Server 0.00400.
gnomAD v4.1: 6,426 of 1,613,878 alleles (0.4%); highest among the groups gnomAD compares: Non-Finnish European, 0.49%; 11 homozygotes.

Submissions (3):

CeGaT Center for Human Genetics Tuebingen
Classification: Likely benign. Last evaluated: 2024-02-01. Review status: criteria provided, single submitter. Criteria: CeGaT Center For Human Genetics Tuebingen Variant Classification Criteria Version 2. Collection method: clinical testing. Allele origin: germline. Affected: yes. Observed: 2 variant alleles.
Comment: ZNF644: BS2

Labcorp Genetics (formerly Invitae), Labcorp
Classification: Likely benign. Last evaluated: 2019-12-31. Review status: criteria provided, single submitter. Criteria: Invitae Variant Classification Sherloc (09022015). Collection method: clinical testing. Allele origin: germline.

Breakthrough Genomics
Classification: Likely benign. Review status: criteria provided, single submitter. Criteria: ACMG Guidelines, 2015. Collection method: not provided. Allele origin: germline. Inheritance: Autosomal dominant inheritance. Affected: yes.

NM_201269.3(ZNF644):c.3299G>A (p.Arg1100His)

Gene: ZNF644 (zinc finger protein 644; minus strand). Cytogenetic location: 1p22.2.
Variant type: single nucleotide variant.
Coding change: c.3299G>A on transcript NM_201269.3 (MANE Select); coding-DNA position 3299, G replaced by A.
Protein change: p.Arg1100His; replaces arginine 1100 with histidine.
Molecular consequence: missense variant. On other transcripts: intron variant (2).
Genome position (GRCh38, 1-based): chr1:90,937,874, C>T on the plus strand (G>A on the coding strand, the complement: ZNF644 is on the minus strand). VCF-style: chr1-90937874-C-T. GRCh37 (hg19) VCF-style: chr1-91403431-C-T.
Other names: c.23-19720G>A (NM_032186.5, NM_016620.4); short protein forms R1100H.
Identifiers: ClinVar variation 715422 (VCV000715422.29), dbSNP rs140271599, ClinGen allele CA944840.